The following is an entry in ClinVar:

NM_000069.3(CACNA1S):c.2102T>C (p.Met701Thr)

Gene: CACNA1S (calcium voltage-gated channel subunit alpha1 S; minus strand). Cytogenetic location: 1q32.1.
Variant type: single nucleotide variant.
Coding change: c.2102T>C on transcript NM_000069.3 (MANE Select); coding-DNA position 2102, T replaced by C.
Protein change: p.Met701Thr; replaces methionine 701 with threonine.
Molecular consequence: missense variant.
Genome position (GRCh38, 1-based): chr1:201,073,604, A>G on the plus strand (T>C on the coding strand, the complement: CACNA1S is on the minus strand). VCF-style: chr1-201073604-A-G. GRCh37 (hg19) VCF-style: chr1-201042732-A-G.
Other names: short protein forms M701T.
Identifiers: ClinVar variation 3386359 (VCV003386359.1).
Genomic context (GRCh38, chr1:201,073,604, plus strand): 5'-CTCACCTTGGCAGTGGTGGGGATGCCCTCACCCTTGGGTTTCTGCTCCAGCTTCTTGGCC[A>G]TCGTTGACTTCTCCTCTTCTGACTTGTCTGGGAGACCCCTGAGTTAGAAAACCCAAAGTG-3'
Protein context (NP_000060.2, residues 691-711): PDKSEEEKST[Met701Thr]AKKLEQKPKG

ClinVar aggregate classification (germline): Uncertain significance (1 of 4 stars; one submission).

Conditions:
Malignant hyperthermia, susceptibility to, 5 (MHS5). Also called: CACNA1S-Related Malignant Hyperthermia Susceptibility. Identifiers: Orphanet 423, MedGen C1866077, MONDO:0011163, OMIM 601887.

gnomAD v4.1: 1 of 1,614,232 alleles (0.000062%); highest among the groups gnomAD compares: Admixed American, 0.0017%; no homozygotes.

Submission:

All of Us Research Program, National Institutes of Health
Classification: Uncertain significance for Malignant hyperthermia, susceptibility to, 5. Last evaluated: 2024-03-05. Review status: criteria provided, single submitter. Criteria: ACMG Guidelines, 2015. Collection method: clinical testing. Allele origin: germline. Inheritance: Autosomal dominant inheritance. Observed: 1 variant allele, 1 heterozygote.
Comment: This study involves interpretation of variants in research participants for the purpose of population health screening. Participant phenotype was not available at the time of variant classification. Additional details can be found in publication PMID: 35346344, PMCID: PMC8962531